The following is an entry in ClinVar:

ClinVar aggregate classification (germline): Likely pathogenic. Review status: criteria provided, single submitter (1 of 4 stars). 3 submissions from 3 submitters: Likely pathogenic (1). 2 of the submissions do not count toward it. Last evaluated 2026-03-19.

Conditions:
Palmoplantar keratodermas.
Ichthyosis bullosa of Siemens (IBS). Also called: Superficial epidermolytic ichthyosis. Identifiers: Orphanet 455, MedGen C0432306, MONDO:0007813, OMIM 146800.

Submissions (3):

Genetics Laboratory, Great Ormond Street Hospital NHS Foundation Trust, North Thames Genomic Laboratory Hub
Classification: Likely pathogenic for Palmoplantar keratodermas. Last evaluated: 2026-03-19. Review status: criteria provided, single submitter. Criteria: ACGS Best Practice Guidelines for Variant Classification in Rare Disease 2024 v1.2. Collection method: clinical testing. Allele origin: germline. Affected: yes.
Comment: PS4_supporting, PM2_moderate, PP3_supporting, PS3_supporting, PM6_supporting

OMIM
Classification: Pathogenic for ICHTHYOSIS BULLOSA OF SIEMENS. Last evaluated: 1997-07-01. Review status: no assertion criteria provided. Collection method: literature only. Allele origin: germline. Not counted in ClinVar's aggregate classification.

Epithelial Biology;  Institute of Medical Biology, Singapore
No classification provided. Review status: no classification provided. Collection method: not provided. Allele origin: not provided. Not counted in ClinVar's aggregate classification.

Literature cited by the submitters: PubMed 9204966 (cited by OMIM).

NM_000423.3(KRT2):c.1435A>C (p.Thr479Pro)

Gene: KRT2 (keratin 2; minus strand). Cytogenetic location: 12q13.13.
Variant type: single nucleotide variant.
Coding change: c.1435A>C on transcript NM_000423.3 (MANE Select); coding-DNA position 1435, A replaced by C.
Protein change: p.Thr479Pro; replaces threonine 479 with proline.
Molecular consequence: missense variant.
Genome position (GRCh38, 1-based): chr12:52,646,774, T>G on the plus strand (A>C on the coding strand, the complement: KRT2 is on the minus strand). VCF-style: chr12-52646774-T-G. GRCh37 (hg19) VCF-style: chr12-53040558-T-G.
Other names: T485P; short protein forms T479P.
Identifiers: ClinVar variation 9312 (VCV000009312.2), dbSNP rs137852630, ClinGen allele CA120293.